The following is an entry in ClinVar:

NM_000092.5(COL4A4):c.3629G>C (p.Gly1210Ala)

Gene: COL4A4 (collagen type IV alpha 4 chain; minus strand). Cytogenetic location: 2q36.3.
Variant type: single nucleotide variant.
Coding change: c.3629G>C on transcript NM_000092.5 (MANE Select); coding-DNA position 3629, G replaced by C.
Protein change: p.Gly1210Ala; replaces glycine 1210 with alanine.
Molecular consequence: missense variant.
Genome position (GRCh38, 1-based): chr2:227,032,225, C>G on the plus strand (G>C on the coding strand, the complement: COL4A4 is on the minus strand). VCF-style: chr2-227032225-C-G. GRCh37 (hg19) VCF-style: chr2-227896941-C-G.
Other names: short protein forms G1210A.
Identifiers: ClinVar variation 4817335 (VCV004817335.1).

ClinVar aggregate classification (germline): Likely pathogenic (1 of 4 stars; one submission).

Conditions:
Alport syndrome. Also called: Hemorrhagic familial nephritis; Hemorrhagic hereditary nephritis; Congenital hereditary hematuria. Identifiers: Orphanet 63, MedGen C1567741, MONDO:0018965.

gnomAD v4.1: 3 of 1,614,074 alleles (0.00019%); highest among the groups gnomAD compares: Non-Finnish European, 0.00025%; no homozygotes.

Submission:

Natera, Inc.
Classification: Likely pathogenic for Alport syndrome. Last evaluated: 2025-09-04. Review status: criteria provided, single submitter. Criteria: Natera Variant Classification Schema (03/2026). Collection method: clinical testing. Allele origin: germline.
Comment: The c.3629G>C variant in COL4A4 is a missense variant predicted to cause substitution of glycine to alanine at amino acid 1210. This variant is rare in the general population with a frequency below the threshold expected for the associated phenotype(s). This variant is located in a functionally critical region of the protein. Computational prediction algorithms indicate this variant is likely to affect gene or protein function. Given the available evidence, this variant is classified as Likely Pathogenic.